The following is an entry in ClinVar:

ClinVar aggregate classification (germline): Uncertain significance (1 of 4 stars; one submission).

Conditions:
Cardiovascular phenotype. Identifiers: MedGen CN230736.

gnomAD v4.1: 12 of 1,614,102 alleles (0.00074%); highest among the groups gnomAD compares: Non-Finnish European, 0.001%; no homozygotes.

Submission:

Ambry Genetics
Classification: Uncertain significance for Cardiovascular phenotype. Last evaluated: 2024-04-19. Review status: criteria provided, single submitter. Criteria: Ambry Variant Classification Scheme 2023. Collection method: clinical testing. Allele origin: germline.
Comment: The p.R305C variant (also known as c.913C>T), located in coding exon 5 of the EPHB4 gene, results from a C to T substitution at nucleotide position 913. The arginine at codon 305 is replaced by cysteine, an amino acid with highly dissimilar properties. This amino acid position is conserved. In addition, this alteration is predicted to be deleterious by in silico analysis. Based on the available evidence, the clinical significance of this variant remains unclear.

NM_004444.5(EPHB4):c.913C>T (p.Arg305Cys)

Gene: EPHB4 (EPH receptor B4; minus strand). Cytogenetic location: 7q22.1.
Variant type: single nucleotide variant.
Coding change: c.913C>T on transcript NM_004444.5 (MANE Select); coding-DNA position 913, C replaced by T.
Protein change: p.Arg305Cys; replaces arginine 305 with cysteine.
Molecular consequence: missense variant.
Genome position (GRCh38, 1-based): chr7:100,820,192, G>A on the plus strand (C>T on the coding strand, the complement: EPHB4 is on the minus strand). VCF-style: chr7-100820192-G-A. GRCh37 (hg19) VCF-style: chr7-100417814-G-A.
Other names: short protein forms R305C.
Identifiers: ClinVar variation 3275976 (VCV003275976.1).